The following is an entry in ClinVar:

NM_000368.5(TSC1):c.1033del (p.Thr345fs)

Gene: TSC1 (TSC complex subunit 1; minus strand). Cytogenetic location: 9q34.13.
Variant type: Deletion.
Coding change: c.1033del on transcript NM_000368.5 (MANE Select); coding-DNA position 1033, one base deleted (A; older notation c.1033delA).
Protein change: p.Thr345fs; shifts the reading frame from threonine 345.
Molecular consequence: frameshift variant.
Genome position (GRCh38, 1-based): chr9:132,911,110, T deleted on the plus strand (A on the coding strand, the reverse complement: TSC1 is on the minus strand). VCF-style (leftmost placement, unchanged base first): chr9-132911109-GT-G. GRCh37 (hg19) VCF-style: chr9-135786496-GT-G.
Other names: c.1033del, p.Thr345fs (NM_001162426.2); c.880del, p.Thr294fs (NM_001162427.2); c.670del, p.Thr224fs (NM_001362177.2); short protein forms T224fs, T294fs, T345fs.
Identifiers: ClinVar variation 626194 (VCV000626194.3), dbSNP rs1564488264, ClinGen allele CA913189619.

ClinVar aggregate classification (germline): Likely pathogenic (1 of 4 stars; one submission).

Conditions:
Isolated focal cortical dysplasia type II (FCORD2). Also called: Focal cortical dysplasia type II; CORTICAL DYSPLASIA OF TAYLOR. Identifiers: Orphanet 268994, MedGen C1846385, MONDO:0011818, OMIM 607341, HP:0032051.
Lymphangiomyomatosis (LAM). Also called: Lymphangioleiomyomatosis; Lymphangioleiomyomatosis, somatic. Identifiers: Orphanet 538, MedGen C0751674, MONDO:0011705, OMIM 606690.
Tuberous sclerosis 1 (TSC1). Identifiers: Orphanet 805, MedGen C1854465, MONDO:0008612, OMIM 191100.

Submission:

Center for Genomics, Ann and Robert H. Lurie Children's Hospital of Chicago
Classification: Likely pathogenic for Isolated focal cortical dysplasia type II; Tuberous sclerosis 1; Lymphangiomyomatosis. Review status: criteria provided, single submitter. Criteria: ACMG Guidelines, 2015. Collection method: clinical testing. Allele origin: germline.
Comment: TSC1 NM_000368 exon 11 p.Thr345fs (c.1033delA): This variant has not been reported in the literature and is not present in large control databases. Evolutionary conservation and computational predictive tools for this variant are limited or unavailable. This variant is a deletion of 1 nucleotide and creates a premature stop codon 11 amino acids downstream from this location which results in an absent or abnormal protein. Loss of function variants are a known mechanism of disease for this gene (Rosset 2017 PMID:28222202). In summary, data on this variant is highly suspicious for disease, but requires further evidence for pathogenicity. Therefore, this variant classified as Likely Pathogenic